The following is an entry in ClinVar:

ClinVar aggregate classification (germline): Uncertain significance (1 of 4 stars; one submission).

Conditions:
Hereditary pancreatitis (PCTT). Also called: Hereditary chronic pancreatitis; PRSS1-Related Hereditary Pancreatitis. Identifiers: Orphanet 676, MedGen C0238339, MONDO:0008185, OMIM 167800.

Submission:

Ambry Genetics
Classification: Uncertain significance for Hereditary pancreatitis. Last evaluated: 2025-05-18. Review status: criteria provided, single submitter. Criteria: Ambry Variant Classification Scheme 2023. Collection method: clinical testing. Allele origin: germline.
Comment: The p.F377C variant (also known as c.1130T>G), located in coding exon 10 of the CPA1 gene, results from a T to G substitution at nucleotide position 1130. The phenylalanine at codon 377 is replaced by cysteine, an amino acid with highly dissimilar properties. This amino acid position is conserved. In addition, the in silico prediction for this alteration is inconclusive. Based on the available evidence, the clinical significance of this variant remains unclear.

NM_001868.4(CPA1):c.1130T>G (p.Phe377Cys)

Gene: CPA1 (carboxypeptidase A1; plus strand). Cytogenetic location: 7q32.2.
Variant type: single nucleotide variant.
Coding change: c.1130T>G on transcript NM_001868.4 (MANE Select); coding-DNA position 1130, T replaced by G.
Protein change: p.Phe377Cys; replaces phenylalanine 377 with cysteine.
Molecular consequence: missense variant.
Genome position (GRCh38, 1-based): chr7:130,387,881, T>G. VCF-style: chr7-130387881-T-G. GRCh37 (hg19) VCF-style: chr7-130027722-T-G.
Other names: short protein forms F377C.
Identifiers: ClinVar variation 4006055 (VCV004006055.1).